The following is an entry in ClinVar:

NM_004593.3(TRA2B):c.856+1_856+2dup

Gene: TRA2B (transformer 2 beta homolog; minus strand). Cytogenetic location: 3q27.2.
Variant type: Duplication.
Coding change: c.856+1_856+2dup on transcript NM_004593.3 (MANE Select); the canonical splice donor site of the intron after coding-DNA position 856, 2 bases duplicated (GT; older notation c.856+1_856+2dupGT).
Molecular consequence: splice donor variant.
Genome position (GRCh38, 1-based): chr3:185,918,363-185,918,364, AC duplicated on the plus strand (GT on the coding strand, the reverse complement: TRA2B is on the minus strand). VCF-style (leftmost placement, unchanged base first): chr3-185918362-T-TAC. GRCh37 (hg19) VCF-style: chr3-185636150-T-TAC.
Other names: c.556+1_556+2dup (NM_001243879.2).
Identifiers: ClinVar variation 3774295 (VCV003774295.1).

ClinVar aggregate classification (germline): Uncertain significance (1 of 4 stars; one submission).

Submission:

GeneDx
Classification: Uncertain significance. Last evaluated: 2024-09-20. Review status: criteria provided, single submitter. Criteria: GeneDx Variant Classification Process June 2021. Collection method: clinical testing. Allele origin: germline. Affected: yes.
Comment: Not observed at significant frequency in large population cohorts (gnomAD); Canonical splice site variant in a gene or region of a gene for which loss of function is not a well-established mechanism of disease; Has not been previously published as pathogenic or benign to our knowledge